The following is an entry in ClinVar:

NM_006914.4(RORB):c.341A>G (p.Glu114Gly)

Gene: RORB (RAR related orphan receptor B; plus strand). Cytogenetic location: 9q21.13.
Variant type: single nucleotide variant.
Coding change: c.341A>G on transcript NM_006914.4 (MANE Select); coding-DNA position 341, A replaced by G.
Protein change: p.Glu114Gly; replaces glutamic acid 114 with glycine.
Molecular consequence: missense variant.
Genome position (GRCh38, 1-based): chr9:74,642,519, A>G. VCF-style: chr9-74642519-A-G. GRCh37 (hg19) VCF-style: chr9-77257435-A-G.
Other names: c.374A>G, p.Glu125Gly (NM_001365023.1); short protein forms E114G, E125G.
Identifiers: ClinVar variation 4975996 (VCV004975996.1).
Genomic context (GRCh38, chr9:74,642,519, plus strand): 5'-ATGCTGAGGTGCAGAAGCACCAGCAGCGGCTGCAGGAACAGCGGCAGCAGCAGAGTGGGG[A>G]GGCAGAAGCCCTTGCCAGGGTGTACAGCAGCAGCATTAGCAACGGCCTGAGCAACCTGAA-3'
Protein context (NP_008845.2, residues 104-124): LQEQRQQQSG[Glu114Gly]AEALARVYSS

ClinVar aggregate classification (germline): Uncertain significance (1 of 4 stars; one submission).

Submission:

GeneDx
Classification: Uncertain significance. Last evaluated: 2026-02-06. Review status: criteria provided, single submitter. Criteria: GeneDx Variant Classification Process June 2021. Collection method: clinical testing. Allele origin: germline.
Comment: Not observed at significant frequency in large population cohorts (gnomAD); In silico analysis supports that this missense variant has a deleterious effect on protein structure/function; Has not been previously published as pathogenic or benign to our knowledge